The following is an entry in ClinVar:

ClinVar aggregate classification (germline): Pathogenic (1 of 4 stars; one submission).

Submission:

Labcorp Genetics (formerly Invitae), Labcorp
Classification: Pathogenic. Last evaluated: 2022-06-13. Review status: criteria provided, single submitter. Criteria: Invitae Variant Classification Sherloc (09022015). Collection method: clinical testing. Allele origin: germline.
Comment: This sequence change creates a premature translational stop signal (p.Gly264Valfs*24) in the AGBL5 gene. It is expected to result in an absent or disrupted protein product. Loss-of-function variants in AGBL5 are known to be pathogenic (PMID: 27764769, 27842159). For these reasons, this variant has been classified as Pathogenic. This variant has not been reported in the literature in individuals affected with AGBL5-related conditions. This variant is not present in population databases (gnomAD no frequency).

Literature cited by the submitters: PubMed 27764769; PubMed 27842159.

NM_021831.6(AGBL5):c.791_794del (p.Gly264fs)

Gene: AGBL5 (AGBL carboxypeptidase 5; plus strand). Cytogenetic location: 2p23.3.
Variant type: Deletion.
Coding change: c.791_794del on transcript NM_021831.6 (MANE Select); coding-DNA positions 791 to 794, 4 bases deleted (GCTT; older notation c.791_794delGCTT).
Protein change: p.Gly264fs; shifts the reading frame from glycine 264.
Molecular consequence: frameshift variant. On other transcripts: non-coding transcript variant (2).
Genome position (GRCh38, 1-based): chr2:27,055,136-27,055,139, GCTT deleted. VCF-style (leftmost placement, unchanged base first): chr2-27055135-GGCTT-G. GRCh37 (hg19) VCF-style: chr2-27278003-GGCTT-G.
Other names: c.791_794del, p.Gly264fs (NM_001035507.3); short protein forms G264fs.
Identifiers: ClinVar variation 1380079 (VCV001380079.6), dbSNP rs2148274117, ClinGen allele CA2573134489.